The following is an entry in ClinVar:

NM_001142864.4(PIEZO1):c.3619G>C (p.Asp1207His)

Gene: PIEZO1 (piezo type mechanosensitive ion channel component 1 (Er blood group); minus strand). Cytogenetic location: 16q24.3.
Variant type: single nucleotide variant.
Coding change: c.3619G>C on transcript NM_001142864.4 (MANE Select); coding-DNA position 3619, G replaced by C.
Protein change: p.Asp1207His; replaces aspartic acid 1207 with histidine.
Molecular consequence: missense variant.
Genome position (GRCh38, 1-based): chr16:88,726,795, C>G on the plus strand (G>C on the coding strand, the complement: PIEZO1 is on the minus strand). VCF-style: chr16-88726795-C-G. GRCh37 (hg19) VCF-style: chr16-88793203-C-G.
Other names: short protein forms D1207H.
Identifiers: ClinVar variation 1302203 (VCV001302203.2), dbSNP rs1481409309, ClinGen allele CA397104041.
Genomic context (GRCh38, chr16:88,726,795, plus strand): 5'-TGATGACGGTGACGTTGTACAGAATGAGGCAGTCCCACAGCACGAGGCGGGCCCGTGTGT[C>G]CCTCTGCAGCAGGGCCGTGCCGAAGAGCAGCAGGTAGAAGCAGGCCAGCAGGTAGCCCAG-3'
Protein context (NP_001136336.2, residues 1197-1217): LLFGTALLQR[Asp1207His]TRARLVLWDC

ClinVar aggregate classification (germline): Uncertain significance (1 of 4 stars; one submission).

Allele frequency attached by ClinVar (database versions not stated): gnomAD exomes below 0.00001.

Submission:

GeneDx
Classification: Uncertain significance. Last evaluated: 2019-07-17. Review status: criteria provided, single submitter. Criteria: GeneDx Variant Classification Process June 2021. Collection method: clinical testing. Allele origin: germline. Affected: yes.
Comment: Not observed in large population cohorts (Lek et al., 2016); In silico analysis, which includes protein predictors and evolutionary conservation, supports that this variant does not alter protein structure/function; Has not been previously published as pathogenic or benign to our knowledge